The following is an entry in ClinVar:

NM_001079802.2(FKTN):c.733T>A (p.Ser245Thr)

Gene: FKTN (fukutin; plus strand). Cytogenetic location: 9q31.2.
Variant type: single nucleotide variant.
Coding change: c.733T>A on transcript NM_001079802.2 (MANE Select); coding-DNA position 733, T replaced by A.
Protein change: p.Ser245Thr; replaces serine 245 with threonine.
Molecular consequence: missense variant. On other transcripts: non-coding transcript variant (2).
Genome position (GRCh38, 1-based): chr9:105,607,904, T>A. VCF-style: chr9-105607904-T-A. GRCh37 (hg19) VCF-style: chr9-108370185-T-A.
Other names: c.733T>A, p.Ser245Thr (NM_001198963.2, NM_001351496.2, NM_001351498.2 and 1 more transcripts); c.664T>A, p.Ser222Thr (NM_001351497.2); c.337T>A, p.Ser113Thr (NM_001351499.2, NM_001351500.2, NM_001351501.2 and 1 more transcripts); short protein forms S113T, S222T, S245T.
Identifiers: ClinVar variation 1056318 (VCV001056318.9), dbSNP rs776945221, ClinGen allele CA5170474.

ClinVar aggregate classification (germline): Uncertain significance. Review status: criteria provided, single submitter (1 of 4 stars). 2 submissions from 2 submitters: Uncertain significance (1). 1 of the submissions does not count toward it. Last evaluated 2024-01-15.

Conditions:
Walker-Warburg congenital muscular dystrophy. Also called: Muscular dystrophy-dystroglycanopathy, type A; Walker-Warburg syndrome. Identifiers: Orphanet 899, MedGen C0265221, MONDO:0000171.

Allele frequency attached by ClinVar (database versions not stated): gnomAD exomes below 0.00001 and 0.00001; ExAC 0.00002; gnomAD 0.00002; TOPMed 0.00004.
gnomAD v4.1: 6 of 1,611,552 alleles (0.00037%); highest among the groups gnomAD compares: African/African-American, 0.0027%; no homozygotes.

Submissions (2):

Labcorp Genetics (formerly Invitae), Labcorp
Classification: Uncertain significance for Walker-Warburg congenital muscular dystrophy. Last evaluated: 2024-01-15. Review status: criteria provided, single submitter. Criteria: Invitae Variant Classification Sherloc (09022015). Collection method: clinical testing. Allele origin: germline.
Comment: This sequence change replaces serine, which is neutral and polar, with threonine, which is neutral and polar, at codon 245 of the FKTN protein (p.Ser245Thr). This variant is present in population databases (rs776945221, gnomAD 0.008%). This variant has not been reported in the literature in individuals affected with FKTN-related conditions. ClinVar contains an entry for this variant (Variation ID: 1056318). Advanced modeling of protein sequence and biophysical properties (such as structural, functional, and spatial information, amino acid conservation, physicochemical variation, residue mobility, and thermodynamic stability) performed at Invitae indicates that this missense variant is not expected to disrupt FKTN protein function with a negative predictive value of 80%. In summary, the available evidence is currently insufficient to determine the role of this variant in disease. Therefore, it has been classified as a Variant of Uncertain Significance.

Natera, Inc.
Classification: Uncertain significance for Walker-Warburg congenital muscular dystrophy. Last evaluated: 2021-06-08. Review status: no assertion criteria provided. Collection method: clinical testing. Allele origin: germline. Not counted in ClinVar's aggregate classification.